The following is an entry in ClinVar:

NM_000051.4(ATM):c.8672-3T>G

Genes: ATM (ATM serine/threonine kinase; plus strand), C11orf65 (chromosome 11 open reading frame 65; minus strand). Cytogenetic location: 11q22.3.
Variant type: single nucleotide variant.
Coding change: c.8672-3T>G on transcript NM_000051.4 (MANE Select); 3 bases into the intron before coding-DNA position 8672, T replaced by G.
Molecular consequence: intron variant.
Genome position (GRCh38, 1-based): chr11:108,353,763, T>G. VCF-style: chr11-108353763-T-G. GRCh37 (hg19) VCF-style: chr11-108224490-T-G.
Other names: c.8672-3T>G (NM_001351834.2); c.640+32157A>C (NM_001330368.2); c.695-18471A>C (NM_001351110.2).
Identifiers: ClinVar variation 576013 (VCV000576013.28), dbSNP rs1060501550, ClinGen allele CA891842785.

ClinVar aggregate classification (germline): Uncertain significance. Review status: criteria provided, multiple submitters, no conflicts (2 of 4 stars). 6 submissions from 6 submitters: Uncertain significance (4). 2 of the submissions do not count toward it. Last evaluated 2025-10-07.

Conditions:
Hereditary cancer-predisposing syndrome. Also called: Hereditary Cancer Syndrome; Neoplastic Syndromes, Hereditary; Tumor predisposition; Hereditary neoplastic syndrome. Identifiers: Orphanet 140162, MedGen C0027672, MeSH D009386, MONDO:0015356.
Ataxia-telangiectasia syndrome (AT). Also called: Cerebello-oculocutaneous telangiectasia; Immunodeficiency with ataxia telangiectasia; Ataxia-telangiectasia, complementation group E; Ataxia-telangiectasia, complementation group D; AT, COMPLEMENTATION GROUP C; ATAXIA-TELANGIECTASIA, COMPLEMENTATION GROUP A. Identifiers: Orphanet 100, MedGen C0004135, MONDO:0008840, OMIM 208900.
Familial cancer of breast. Also called: BREAST CANCER, FAMILIAL; Hereditary breast cancer; hereditary breast carcinoma. Identifiers: Orphanet 227535, MedGen C0346153, MONDO:0016419, OMIM 114480. Disease mechanism: loss of function.

Allele frequency attached by ClinVar (database versions not stated): gnomAD exomes 0.00001.
gnomAD v4.1: 7 of 1,595,582 alleles (0.00044%); highest among the groups gnomAD compares: Non-Finnish European, 0.0006%; no homozygotes.

Submissions (6):

Labcorp Genetics (formerly Invitae), Labcorp
Classification: Uncertain significance for Ataxia-telangiectasia syndrome. Last evaluated: 2025-10-07. Review status: criteria provided, single submitter. Criteria: Invitae Variant Classification Sherloc (09022015). Collection method: clinical testing. Allele origin: germline.
Comment: This sequence change falls in intron 59 of the ATM gene. It does not directly change the encoded amino acid sequence of the ATM protein. It affects a nucleotide within the consensus splice site. This variant is not present in population databases (gnomAD no frequency). This variant has not been reported in the literature in individuals affected with ATM-related conditions. ClinVar contains an entry for this variant (Variation ID: 576013). Variants that disrupt the consensus splice site are a relatively common cause of aberrant splicing (PMID: 17576681, 9536098). Studies have shown that this variant is associated with inconclusive levels of altered splicing (internal data). In summary, the available evidence is currently insufficient to determine the role of this variant in disease. Therefore, it has been classified as a Variant of Uncertain Significance.

Ambry Genetics
Classification: Uncertain significance for Hereditary cancer-predisposing syndrome. Last evaluated: 2024-09-16. Review status: criteria provided, single submitter. Criteria: Ambry Variant Classification Scheme 2023. Collection method: clinical testing. Allele origin: germline.
Comment: The c.8672-3T>G intronic variant results from a T to G substitution 3 nucleotides upstream from coding exon 59 in the ATM gene. This nucleotide position is not well conserved in available vertebrate species. In silico splice site analysis predicts that this alteration will weaken the native splice acceptor site and will result in the creation or strengthening of a novel splice acceptor site; however, direct evidence is insufficient at this time (Ambry internal data). Based on the available evidence, the clinical significance of this variant remains unclear.

Baylor Genetics
Classification: Uncertain significance for Familial cancer of breast. Last evaluated: 2023-06-01. Review status: criteria provided, single submitter. Criteria: ACMG Guidelines, 2015. Collection method: clinical testing. Allele origin: unknown.

Color Diagnostics, LLC DBA Color Health
Classification: Uncertain significance for Hereditary cancer-predisposing syndrome. Last evaluated: 2021-04-21. Review status: criteria provided, single submitter. Criteria: ACMG Guidelines, 2015. Collection method: clinical testing. Allele origin: germline.
Comment: This variant causes a T to G nucleotide substitution at the -3 position of intron 59 of the ATM gene. Splice site prediction tools predict that this variant may have a significant impact on RNA splicing, although this prediction has not been confirmed in published RNA studies. To our knowledge, this variant has not been reported in individuals affected with hereditary cancer in the literature. This variant has not been identified in the general population by the Genome Aggregation Database (gnomAD). The available evidence is insufficient to determine the role of this variant in disease conclusively. Therefore, this variant is classified as a Variant of Uncertain Significance.

Natera, Inc.
Classification: Uncertain significance for Ataxia-telangiectasia. Last evaluated: 2021-01-28. Review status: no assertion criteria provided. Collection method: clinical testing. Allele origin: germline. Not counted in ClinVar's aggregate classification.

Department of Pathology and Laboratory Medicine, Sinai Health System
Classification: Uncertain significance. Review status: no assertion criteria provided. Collection method: clinical testing. Allele origin: unknown. Affected: yes. Study: The Canadian Open Genetics Repository (COGR). Not counted in ClinVar's aggregate classification.
Comment: The ATM c.8672-3T>G variant was not identified in the literature nor was it identified in the dbSNP or LOVD 3.0 databases. The variant was identified in ClinVar (classified as uncertain significance by Invitae). The variant was not identified in the following control databases: the Exome Aggregation Consortium (August 8th 2016) or the Genome Aggregation Database (Feb 27, 2017). The c.8672-3T>G variant is located in the 3' splice region but does not affect the invariant -1 and -2 positions. However, positions -3 and -5 to -12 are part of the splicing consensus sequence and variants involving these positions sometimes affect splicing. In addition, 3 of 4 in silico or computational prediction software programs (SpliceSiteFinder, MaxEntScan, NNSPLICE, GeneSplicer) predict a greater than 10% difference in splicing. In summary, based on the above information, the clinical significance of this variant cannot be determined with certainty at this time. This variant is classified as a variant of uncertain significance.

Literature cited by the submitters: PubMed 17576681 (cited by Labcorp Genetics (formerly Invitae), Labcorp); PubMed 9536098 (cited by Labcorp Genetics (formerly Invitae), Labcorp).